The following is an entry in ClinVar:

ClinVar aggregate classification (germline): Uncertain significance. Review status: criteria provided, multiple submitters, no conflicts (2 of 4 stars). 2 submissions from 2 submitters: Uncertain significance (2). Last evaluated 2025-01-13.

Conditions:
Fanconi anemia complementation group P. Also called: SLX4-Related Fanconi Anemia. Identifiers: Orphanet 84, MedGen C3469542, MONDO:0013499, OMIM 613951.
Fanconi anemia (FA). Also called: Fanconi's anemia. Identifiers: Orphanet 84, MedGen C0015625, MeSH D005199, MONDO:0019391.

Allele frequency attached by ClinVar (database versions not stated): gnomAD exomes below 0.00001 and 0.00001; ExAC 0.00002; gnomAD 0.00003 and 0.00004; TOPMed 0.00004.
gnomAD v4.1: 10 of 1,614,026 alleles (0.00062%); highest among the groups gnomAD compares: African/African-American, 0.0093%; no homozygotes.

Submissions (2):

Labcorp Genetics (formerly Invitae), Labcorp
Classification: Uncertain significance for Fanconi anemia. Last evaluated: 2025-01-13. Review status: criteria provided, single submitter. Criteria: Invitae Variant Classification Sherloc (09022015). Collection method: clinical testing. Allele origin: germline.
Comment: This sequence change replaces glutamic acid, which is acidic and polar, with glutamine, which is neutral and polar, at codon 406 of the SLX4 protein (p.Glu406Gln). This variant is present in population databases (rs779596439, gnomAD 0.01%). This variant has not been reported in the literature in individuals affected with SLX4-related conditions. ClinVar contains an entry for this variant (Variation ID: 1482165). An algorithm developed to predict the effect of missense changes on protein structure and function (PolyPhen-2) suggests that this variant is likely to be disruptive. In summary, the available evidence is currently insufficient to determine the role of this variant in disease. Therefore, it has been classified as a Variant of Uncertain Significance.

Fulgent Genetics
Classification: Uncertain significance for Fanconi anemia complementation group P. Last evaluated: 2024-05-09. Review status: criteria provided, single submitter. Criteria: ACMG Guidelines, 2015. Collection method: clinical testing. Allele origin: germline.

NM_032444.4(SLX4):c.1216G>C (p.Glu406Gln)

Gene: SLX4 (SLX4 structure-specific endonuclease subunit; minus strand). Cytogenetic location: 16p13.3.
Variant type: single nucleotide variant.
Coding change: c.1216G>C on transcript NM_032444.4 (MANE Select); coding-DNA position 1216, G replaced by C.
Protein change: p.Glu406Gln; replaces glutamic acid 406 with glutamine.
Molecular consequence: missense variant.
Genome position (GRCh38, 1-based): chr16:3,597,947, C>G on the plus strand (G>C on the coding strand, the complement: SLX4 is on the minus strand). VCF-style: chr16-3597947-C-G. GRCh37 (hg19) VCF-style: chr16-3647948-C-G.
Other names: short protein forms E406Q.
Identifiers: ClinVar variation 1482165 (VCV001482165.7), dbSNP rs779596439, ClinGen allele CA7866590.